The following is an entry in ClinVar:

NM_001135146.2(SLC39A8):c.745C>G (p.Pro249Ala)

Gene: SLC39A8 (solute carrier family 39 member 8; minus strand). Cytogenetic location: 4q24.
Variant type: single nucleotide variant.
Coding change: c.745C>G on transcript NM_001135146.2 (MANE Select); coding-DNA position 745, C replaced by G.
Protein change: p.Pro249Ala; replaces proline 249 with alanine.
Molecular consequence: missense variant.
Genome position (GRCh38, 1-based): chr4:102,304,412, G>C on the plus strand (C>G on the coding strand, the complement: SLC39A8 is on the minus strand). VCF-style: chr4-102304412-G-C. GRCh37 (hg19) VCF-style: chr4-103225569-G-C.
Other names: c.745C>G, p.Pro249Ala (NM_022154.5, NM_001135147.1); c.544C>G, p.Pro182Ala (NM_001135148.2); short protein forms P249A, P182A.
Identifiers: ClinVar variation 732461 (VCV000732461.11), dbSNP rs147912552, ClinGen allele CA3025589.

ClinVar aggregate classification (germline): Likely benign. Review status: criteria provided, single submitter (1 of 4 stars). 2 submissions from 2 submitters: Likely benign (1). 1 of the submissions does not count toward it. Last evaluated 2026-01-05.

Conditions:
SLC39A8-related disorder. Also called: SLC39A8-related condition.

Allele frequency attached by ClinVar (database versions not stated): 1000 Genomes Project 30x 0.00109; 1000 Genomes Project 0.00120; TOPMed 0.00127; gnomAD 0.00128; ExAC 0.00149; gnomAD exomes 0.00173; ESP Exome Variant Server 0.00192.
gnomAD v4.1: 2,409 of 1,611,544 alleles (0.15%); highest among the groups gnomAD compares: Middle Eastern, 0.76%; 12 homozygotes.

Submissions (2):

Labcorp Genetics (formerly Invitae), Labcorp
Classification: Likely benign. Last evaluated: 2026-01-05. Review status: criteria provided, single submitter. Criteria: Invitae Variant Classification Sherloc (09022015). Collection method: clinical testing. Allele origin: germline.

PreventionGenetics, part of Exact Sciences
Classification: Benign for SLC39A8-related condition. Last evaluated: 2019-09-05. Review status: no assertion criteria provided. Collection method: clinical testing. Allele origin: germline. Not counted in ClinVar's aggregate classification.
Comment: This variant is classified as benign based on ACMG/AMP sequence variant interpretation guidelines (Richards et al. 2015 PMID: 25741868, with internal and published modifications).